The following is an entry in ClinVar:

ClinVar aggregate classification (germline): Conflicting classifications of pathogenicity. Review status: criteria provided, conflicting classifications (1 of 4 stars). 10 submissions from 10 submitters: Uncertain significance (8); Likely benign (2). Last evaluated 2025-12-12.

Conditions:
Familial cancer of breast. Also called: Hereditary breast cancer; hereditary breast carcinoma; BREAST CANCER, FAMILIAL. Identifiers: Orphanet 227535, MedGen C0346153, MONDO:0016419, OMIM 114480. Disease mechanism: loss of function.
Hereditary cancer-predisposing syndrome. Also called: Hereditary neoplastic syndrome; Neoplastic Syndromes, Hereditary; Tumor predisposition; Hereditary Cancer Syndrome. Identifiers: Orphanet 140162, MedGen C0027672, MeSH D009386, MONDO:0015356.
Pancreatic cancer, susceptibility to, 3. Identifiers: Orphanet 1333, MedGen C3150547, MONDO:0013236, OMIM 613348.
Fanconi anemia complementation group N. Also called: PALB2-Related Fanconi Anemia. Identifiers: Orphanet 84, MedGen C1835817, MONDO:0012565, OMIM 610832. Disease mechanism: loss of function.

Allele frequency attached by ClinVar (database versions not stated): ExAC 0.00001; gnomAD exomes 0.00001.
gnomAD v4.1: 13 of 1,611,336 alleles (0.00081%); highest among the groups gnomAD compares: South Asian, 0.0055%; no homozygotes.

Submissions (10):

Labcorp Genetics (formerly Invitae), Labcorp
Classification: Uncertain significance for Familial cancer of breast. Last evaluated: 2025-12-12. Review status: criteria provided, single submitter. Criteria: Invitae Variant Classification Sherloc (09022015). Collection method: clinical testing. Allele origin: germline.
Comment: This sequence change replaces arginine, which is basic and polar, with cysteine, which is neutral and slightly polar, at codon 566 of the PALB2 protein (p.Arg566Cys). The frequency data for this variant in the population databases is considered unreliable, as metrics indicate poor data quality at this position in the gnomAD database. This missense change has been observed in individual(s) with breast and/or ovarian cancer and/or suspected Lynch syndrome (PMID: 25980754, 34326862, 35610400). ClinVar contains an entry for this variant (Variation ID: 410109). Invitae Evidence Modeling of protein sequence and biophysical properties (such as structural, functional, and spatial information, amino acid conservation, physicochemical variation, residue mobility, and thermodynamic stability) indicates that this missense variant is not expected to disrupt PALB2 protein function with a negative predictive value of 80%. In summary, the available evidence is currently insufficient to determine the role of this variant in disease. Therefore, it has been classified as a Variant of Uncertain Significance.

Ambry Genetics
Classification: Likely benign for Hereditary cancer-predisposing syndrome. Last evaluated: 2025-05-31. Review status: criteria provided, single submitter. Criteria: Ambry Variant Classification Scheme 2023. Collection method: clinical testing. Allele origin: germline.

Molecular Diagnostics Laboratory, Catalan Institute of Oncology
Classification: Uncertain significance for Hereditary cancer-predisposing syndrome. Last evaluated: 2024-11-06. Review status: criteria provided, single submitter. Criteria: ClinGen ACMG Specifications PALB2 V1.0.0. Collection method: clinical testing. Allele origin: germline.
Comment: BP1 c.1696C>T , located in exon 5 of the PALB2 gene, is predicted to result in the substituton of arginine by cysteine at codon 566, p.(Arg566Cys). The SpliceAI algorithm predicts no significant impact on splicing and there is a very low likelihood that missense variants are pathogenic in PALB2 (BP1). This variant is found in 2/263855 alleles at a frequency of 0.00076% in the gnomAD v2.1.1 database, non-cancer dataset. To our knowledge, neither relevant clinical data nor well-stablished functional studies have been reported for this variant. It has been reported in the LOVD database (1x likely benign, 1x NA) but it has not been identified in ClinVar database. Based on currently available information, the variant c.1696C>T should be considered an uncertain significance variant according to ClinGen-PALB2 Guidelines version v1.0.0. --------- ANTIC: ET (7/4/2020): PM2 + BP4 -> VSD segons guies ICO-ACMG. No més biblio rellevant que la referenciada a ClinVar. No LOVD.

Myriad Genetics, Inc.
Classification: Likely benign for Familial cancer of breast. Last evaluated: 2024-02-05. Review status: criteria provided, single submitter. Criteria: Myriad Autosomal Dominant, Autosomal Recessive and X-Linked Classification Criteria (2023). Collection method: clinical testing. Allele origin: unknown.
Comment: This variant is considered likely benign. This variant is strongly associated with less severe personal and family histories of cancer, typical for individuals without pathogenic variants in this gene [PMID: 25085752].

Baylor Genetics
Classification: Uncertain significance for Familial cancer of breast. Last evaluated: 2023-10-10. Review status: criteria provided, single submitter. Criteria: ACMG Guidelines, 2015. Collection method: clinical testing. Allele origin: unknown.

GeneDx
Classification: Uncertain significance. Last evaluated: 2023-09-17. Review status: criteria provided, single submitter. Criteria: GeneDx Variant Classification Process June 2021. Collection method: clinical testing. Allele origin: germline. Affected: yes.
Comment: Not observed at significant frequency in large population cohorts (gnomAD); In silico analysis supports that this missense variant does not alter protein structure/function; This variant is associated with the following publications: (PMID: 33471991, 35610400, 34326862, 25980754)

Laboratorio de Genetica e Diagnostico Molecular, Hospital Israelita Albert Einstein
Classification: Uncertain significance for Familial cancer of breast. Last evaluated: 2022-10-14. Review status: criteria provided, single submitter. Criteria: ACMG Guidelines, 2015. Collection method: clinical testing. Allele origin: germline. Affected: yes. Observed: 1 variant allele.
Comment: ACMG classification criteria: PM2 supporting, BP4 supporting

Fulgent Genetics
Classification: Uncertain significance for Familial cancer of breast; Fanconi anemia complementation group N; Pancreatic cancer, susceptibility to, 3. Last evaluated: 2021-11-30. Review status: criteria provided, single submitter. Criteria: ACMG Guidelines, 2015. Collection method: clinical testing. Allele origin: unknown.

Color Diagnostics, LLC DBA Color Health
Classification: Uncertain significance for Hereditary cancer-predisposing syndrome. Last evaluated: 2019-06-21. Review status: criteria provided, single submitter. Criteria: ACMG Guidelines, 2015. Collection method: clinical testing. Allele origin: germline.

Women's Health and Genetics/Laboratory Corporation of America, LabCorp
Classification: Uncertain significance. Last evaluated: 2017-04-20. Review status: criteria provided, single submitter. Criteria: LabCorp Variant Classification Summary - May 2015. Collection method: clinical testing. Allele origin: germline.
Comment: Variant summary: The PALB2 c.1696C>T (p.Arg566Cys) variant involves the alteration of a non-conserved nucleotide and 2/4 in silico tools (SNPsandGO not captured due to low reliability index) predict a benign outcome, although these predictions have yet to be functionally assessed. The variant of interest was observed in the large, broad control population, ExAC, with an allele frequency of 1/95648, which does not exceed the estimated maximal expected allele frequency of a pathogenic PALB2 variant (0.0001563). A publication cites the variant in an affected individual, although with limited information (ie, lack of cosegregation data). A clinical diagnostic laboratory cites the variant with a classification of "uncertain significance." Therefore, until additional information becomes available (ie, clinical and functional data), the variant of interest has been classified as a "Variant of Uncertain Significance (VUS)."

Literature cited by the submitters: PubMed 25980754 (cited by Labcorp Genetics (formerly Invitae), Labcorp and Women's Health and Genetics/Laboratory Corporation of America, LabCorp); PubMed 34326862 (cited by Labcorp Genetics (formerly Invitae), Labcorp); PubMed 35610400 (cited by Labcorp Genetics (formerly Invitae), Labcorp); PubMed 33471991 (cited by Ambry Genetics); PubMed 25085752 (cited by Myriad Genetics, Inc.).

NM_024675.4(PALB2):c.1696C>T (p.Arg566Cys)

Gene: PALB2 (partner and localizer of BRCA2; minus strand). Cytogenetic location: 16p12.2.
Variant type: single nucleotide variant.
Coding change: c.1696C>T on transcript NM_024675.4 (MANE Select); coding-DNA position 1696, C replaced by T.
Protein change: p.Arg566Cys; replaces arginine 566 with cysteine.
Molecular consequence: missense variant.
Genome position (GRCh38, 1-based): chr16:23,630,458, G>A on the plus strand (C>T on the coding strand, the complement: PALB2 is on the minus strand). VCF-style: chr16-23630458-G-A. GRCh37 (hg19) VCF-style: chr16-23641779-G-A.
Other names: short protein forms R566C.
Identifiers: ClinVar variation 410109 (VCV000410109.27), dbSNP rs746582620, ClinGen allele CA7963668.